The following is an entry in ClinVar:

NM_001206927.2(DNAH8):c.2926A>G (p.Ile976Val)

Gene: DNAH8 (dynein axonemal heavy chain 8; plus strand). Cytogenetic location: 6p21.2.
Variant type: single nucleotide variant.
Coding change: c.2926A>G on transcript NM_001206927.2 (MANE Select); coding-DNA position 2926, A replaced by G.
Protein change: p.Ile976Val; replaces isoleucine 976 with valine.
Molecular consequence: missense variant.
Genome position (GRCh38, 1-based): chr6:38,803,203, A>G. VCF-style: chr6-38803203-A-G. GRCh37 (hg19) VCF-style: chr6-38770979-A-G.
Other names: c.2275A>G, p.Ile759Val (NM_001371.4); short protein forms I976V, I759V.
Identifiers: ClinVar variation 2175994 (VCV002175994.4), dbSNP rs1770938827, ClinGen allele CA363993643.
Genomic context (GRCh38, chr6:38,803,203, plus strand): 5'-TATCTGGAAAATAATAGTCATTTCTTTATTTAACAGACATACACAAAAGAATGGGCTGAC[A>G]TTCTAAACCACAAAAGTAAGCATGTGGAAGAAGCTGTCAGAGAACTTATATCAATATTTG-3'
Protein context (NP_001193856.1, residues 966-986): NETYTKEWAD[Ile976Val]LNHKSKHVEE

ClinVar aggregate classification (germline): Uncertain significance (1 of 4 stars; one submission).

Conditions:
Primary ciliary dyskinesia. Also called: Ciliary dyskinesia. Identifiers: Orphanet 244, MedGen C0008780, MONDO:0016575, HP:0012265.

Allele frequency attached by ClinVar (database versions not stated): TOPMed below 0.00001; gnomAD exomes 0.00001.
gnomAD v4.1: 10 of 1,604,648 alleles (0.00062%); highest among the groups gnomAD compares: Non-Finnish European, 0.00085%; no homozygotes.

Submission:

Labcorp Genetics (formerly Invitae), Labcorp
Classification: Uncertain significance for Primary ciliary dyskinesia. Last evaluated: 2022-06-18. Review status: criteria provided, single submitter. Criteria: Invitae Variant Classification Sherloc (09022015). Collection method: clinical testing. Allele origin: germline.
Comment: This variant is not present in population databases (gnomAD no frequency). This sequence change replaces isoleucine, which is neutral and non-polar, with valine, which is neutral and non-polar, at codon 976 of the DNAH8 protein (p.Ile976Val). This variant has not been reported in the literature in individuals affected with DNAH8-related conditions. Algorithms developed to predict the effect of missense changes on protein structure and function output the following: SIFT: "Tolerated"; PolyPhen-2: "Not Available"; Align-GVGD: "Class C0". The valine amino acid residue is found in multiple mammalian species, which suggests that this missense change does not adversely affect protein function. In summary, the available evidence is currently insufficient to determine the role of this variant in disease. Therefore, it has been classified as a Variant of Uncertain Significance.